The following is an entry in ClinVar:

ClinVar aggregate classification (germline): Uncertain significance. Review status: reviewed by expert panel (3 of 4 stars). 3 submissions from 3 submitters: Uncertain significance (1). 2 of the submissions do not count toward it. Last evaluated 2023-07-23.

Conditions:
Phenylketonuria (PKU). Also called: Phenylketonuria (PKU); Phenylketonurias; FOLLING DISEASE; OLIGOPHRENIA PHENYLPYRUVICA. Identifiers: Orphanet 716, MedGen C0031485, MONDO:0009861, OMIM 261600. Disease mechanism: loss of function.

Allele frequency attached by ClinVar (database versions not stated): ExAC 0.00001; 1000 Genomes Project 30x 0.00031; TOPMed 0.00001; 1000 Genomes Project 0.00020; gnomAD 0.00001 and 0.00002; gnomAD exomes 0.00001.
gnomAD v4.1: 19 of 1,613,842 alleles (0.0012%); highest among the groups gnomAD compares: Non-Finnish European, 0.0015%; no homozygotes.

Submissions (3):

ClinGen PAH Variant Curation Expert Panel
Classification: Uncertain significance for Phenylketonuria. Last evaluated: 2023-07-23. Review status: reviewed by expert panel. Criteria: ClinGen PAH ACMG Specifications v1. Collection method: curation. Allele origin: germline. Inheritance: Autosomal recessive inheritance.
Comment: The NM_000277.3:c.198A>G variant in PAH is a synonymous (silent) variant (p.Glu66=) that is not predicted to impact splicing. To our knowledge, this variant has not been reported in the literature and results of functional studies are unavailable. The highest population minor allele frequency in gnomAD v2.1.1 is 0.00002641 (3/113600 alleles) in the European (non-Finnish) population, which is lower than the ClinGen PAH VCEP’s threshold for PM2_Supporting (<0.0002), meeting this criterion (PM2_Supporting).There is a ClinVar entry for this variant (Variation ID: 760907, 1 star review status) with one submitter classifying the variant as a variant of uncertain significance and one submitter classifying the variant as likely benign. In summary, this variant meets the criteria to be classified as a variant of uncertain significance for PAH deficiency based on the ACMG/AMP criteria applied, as specified by the ClinGen PAH Variant Curation Expert Panel (Specifications Version 2.0): PM2_Supporting.

Labcorp Genetics (formerly Invitae), Labcorp
Classification: Likely benign for Phenylketonuria. Last evaluated: 2024-02-20. Review status: criteria provided, single submitter. Criteria: Invitae Variant Classification Sherloc (09022015). Collection method: clinical testing. Allele origin: germline. Not counted in ClinVar's aggregate classification.

Natera, Inc.
Classification: Uncertain significance for Phenylketonuria. Last evaluated: 2020-03-10. Review status: no assertion criteria provided. Collection method: clinical testing. Allele origin: germline. Not counted in ClinVar's aggregate classification.

NM_000277.3(PAH):c.198A>G (p.Glu66=)

Gene: PAH (phenylalanine hydroxylase; minus strand). Cytogenetic location: 12q23.2.
Variant type: single nucleotide variant.
Coding change: c.198A>G on transcript NM_000277.3 (MANE Select); coding-DNA position 198, A replaced by G.
Protein change: p.Glu66=; no amino-acid change (glutamic acid 66 retained).
Molecular consequence: synonymous variant.
Genome position (GRCh38, 1-based): chr12:102,894,889, T>C on the plus strand (A>G on the coding strand, the complement: PAH is on the minus strand). VCF-style: chr12-102894889-T-C. GRCh37 (hg19) VCF-style: chr12-103288667-T-C.
Other names: NM_000277.3(PAH):c.198A>G; p.Glu66=; c.198A>G, p.Glu66= (NM_001354304.2).
Identifiers: ClinVar variation 760907 (VCV000760907.10), dbSNP rs117308669, ClinGen allele CA6748999.
Genomic context (GRCh38, chr12:102,894,889, plus strand): 5'-ACGTTTATCCAAATGGGTGAAAAATTCATACTCATCTTTCTTTAAACGAGAAGGTCTAGA[T>C]TCAATGTGGGTCAGGTTTACATCATTCTCCTAGAAGAGAGAATGGGGAGGGTGAGGAGAC-3'
Protein context (NP_000268.1, residues 56-76): EENDVNLTHI[Glu66=]SRPSRLKKDE